The following is an entry in ClinVar:

NM_001317950.2(AKNA):c.669C>T (p.Thr223=)

Gene: AKNA (AT-hook transcription factor; minus strand). Cytogenetic location: 9q32.
Variant type: single nucleotide variant.
Coding change: c.669C>T on transcript NM_001317950.2 (MANE Select); coding-DNA position 669, C replaced by T.
Protein change: p.Thr223=; no amino-acid change (threonine 223 retained).
Molecular consequence: synonymous variant.
Genome position (GRCh38, 1-based): chr9:114,377,138, G>A on the plus strand (C>T on the coding strand, the complement: AKNA is on the minus strand). VCF-style: chr9-114377138-G-A. GRCh37 (hg19) VCF-style: chr9-117139418-G-A.
Other names: c.312C>T, p.Thr104= (NM_001317952.1); c.669C>T, p.Thr223= (NM_030767.5).
Identifiers: ClinVar variation 2659448 (VCV002659448.24), dbSNP rs757942772, ClinGen allele CA5205348.

ClinVar aggregate classification (germline): Likely benign (1 of 4 stars; one submission).

Allele frequency attached by ClinVar (database versions not stated): gnomAD exomes 0.00001; TOPMed 0.00001; ExAC 0.00005.
gnomAD v4.1: 11 of 1,614,174 alleles (0.00068%); highest among the groups gnomAD compares: African/African-American, 0.0027%; no homozygotes.

Submission:

CeGaT Center for Human Genetics Tuebingen
Classification: Likely benign. Last evaluated: 2022-06-01. Review status: criteria provided, single submitter. Criteria: CeGaT Center For Human Genetics Tuebingen Variant Classification Criteria Version 2. Collection method: clinical testing. Allele origin: germline. Affected: yes. Observed: 1 variant allele.
Comment: AKNA: BP4, BP7